The following is an entry in ClinVar:

ClinVar aggregate classification (germline): Uncertain significance (1 of 4 stars; one submission).

Submission:

Labcorp Genetics (formerly Invitae), Labcorp
Classification: Uncertain significance. Last evaluated: 2022-09-01. Review status: criteria provided, single submitter. Criteria: Invitae Variant Classification Sherloc (09022015). Collection method: clinical testing. Allele origin: germline.
Comment: This variant has not been reported in the literature in individuals affected with SLC12A2-related conditions. This variant is not present in population databases (gnomAD no frequency). This variant, c.285_290del, results in the deletion of 2 amino acid(s) of the SLC12A2 protein (p.Ala106_Ala107del), but otherwise preserves the integrity of the reading frame. Experimental studies and prediction algorithms are not available or were not evaluated, and the functional significance of this variant is currently unknown. In summary, the available evidence is currently insufficient to determine the role of this variant in disease. Therefore, it has been classified as a Variant of Uncertain Significance.

NM_001046.3(SLC12A2):c.285_290del (p.Ala106_Ala107del)

Genes: SLC12A2 (solute carrier family 12 member 2; plus strand), LOC129994526 (ATAC-STARR-seq lymphoblastoid silent region 16295; plus strand). Cytogenetic location: 5q23.3.
Variant type: Deletion.
Coding change: c.285_290del on transcript NM_001046.3 (MANE Select); coding-DNA positions 285 to 290, 6 bases deleted (TGCGGC; older notation c.285_290delTGCGGC).
Protein change: p.Ala106_Ala107del.
Molecular consequence: inframe deletion. On other transcripts: non-coding transcript variant (1).
Genome position (GRCh38, 1-based): chr5:128,084,239-128,084,244, TGCGGC deleted; deleting any 6 consecutive bases within chr5:128,084,237-128,084,244 gives the same sequence; the c. name uses the placement nearest the transcript's 3' end. VCF-style (leftmost placement, unchanged base first): chr5-128084236-TGCTGCG-T. GRCh37 (hg19) VCF-style: chr5-127419928-TGCTGCG-T.
Other names: c.285_290del, p.Ala106_Ala107del (NM_001256461.2).
Identifiers: ClinVar variation 2028447 (VCV002028447.4), dbSNP rs2480685847, ClinGen allele CA2580072537.